The following is an entry in ClinVar:

NM_000057.4(BLM):c.1895A>C (p.Gln632Pro)

Gene: BLM (BLM RecQ like helicase; plus strand). Cytogenetic location: 15q26.1.
Variant type: single nucleotide variant.
Coding change: c.1895A>C on transcript NM_000057.4 (MANE Select); coding-DNA position 1895, A replaced by C.
Protein change: p.Gln632Pro; replaces glutamine 632 with proline.
Molecular consequence: missense variant.
Genome position (GRCh38, 1-based): chr15:90,762,978, A>C. VCF-style: chr15-90762978-A-C. GRCh37 (hg19) VCF-style: chr15-91306208-A-C.
Other names: c.1895A>C (NM_000057.2); c.1895A>C, p.Gln632Pro (NM_001287246.2, NM_001287247.2); c.770A>C, p.Gln257Pro (NM_001287248.2); short protein forms Q632P, Q257P.
Identifiers: ClinVar variation 954620 (VCV000954620.11), dbSNP rs1896025240, ClinGen allele CA393844086.

ClinVar aggregate classification (germline): Uncertain significance. Review status: criteria provided, multiple submitters, no conflicts (2 of 4 stars). 2 submissions from 2 submitters: Uncertain significance (2). Last evaluated 2023-04-21.

Conditions:
Hereditary cancer-predisposing syndrome. Also called: Hereditary neoplastic syndrome; Tumor predisposition; Neoplastic Syndromes, Hereditary; Hereditary Cancer Syndrome. Identifiers: Orphanet 140162, MedGen C0027672, MeSH D009386, MONDO:0015356.
Bloom syndrome (BLM). Also called: Bloom-Torre-Machacek syndrome. Identifiers: Orphanet 125, MedGen C0005859, MONDO:0008876, OMIM 210900.

Allele frequency attached by ClinVar (database versions not stated): gnomAD exomes below 0.00001.
gnomAD v4.1: 4 of 1,613,828 alleles (0.00025%); highest among the groups gnomAD compares: Non-Finnish European, 0.00034%; no homozygotes.

Submissions (2):

Ambry Genetics
Classification: Uncertain significance for Hereditary cancer-predisposing syndrome. Last evaluated: 2023-04-21. Review status: criteria provided, single submitter. Criteria: Ambry Variant Classification Scheme 2023. Collection method: clinical testing. Allele origin: germline.
Comment: The p.Q632P variant (also known as c.1895A>C), located in coding exon 7 of the BLM gene, results from an A to C substitution at nucleotide position 1895. The glutamine at codon 632 is replaced by proline, an amino acid with similar properties. This amino acid position is conserved. In addition, the in silico prediction for this alteration is inconclusive. Since supporting evidence is limited at this time, the clinical significance of this alteration remains unclear.

Labcorp Genetics (formerly Invitae), Labcorp
Classification: Uncertain significance for Bloom syndrome. Last evaluated: 2022-08-23. Review status: criteria provided, single submitter. Criteria: Invitae Variant Classification Sherloc (09022015). Collection method: clinical testing. Allele origin: germline.
Comment: This sequence change replaces glutamine, which is neutral and polar, with proline, which is neutral and non-polar, at codon 632 of the BLM protein (p.Gln632Pro). This variant is not present in population databases (gnomAD no frequency). This variant has not been reported in the literature in individuals affected with BLM-related conditions. ClinVar contains an entry for this variant (Variation ID: 954620). Algorithms developed to predict the effect of missense changes on protein structure and function are either unavailable or do not agree on the potential impact of this missense change (SIFT: "Tolerated"; PolyPhen-2: "Possibly Damaging"; Align-GVGD: "Class C0"). In summary, the available evidence is currently insufficient to determine the role of this variant in disease. Therefore, it has been classified as a Variant of Uncertain Significance.